The following is an entry in ClinVar:

NM_138576.4(BCL11B):c.2472C>A (p.Tyr824Ter)

Gene: BCL11B (BCL11 transcription factor B; minus strand). Cytogenetic location: 14q32.2.
Variant type: single nucleotide variant.
Coding change: c.2472C>A on transcript NM_138576.4 (MANE Select); coding-DNA position 2472, C replaced by A.
Protein change: p.Tyr824Ter; replaces tyrosine 824 with a stop codon.
Molecular consequence: nonsense.
Genome position (GRCh38, 1-based): chr14:99,174,364, G>T on the plus strand (C>A on the coding strand, the complement: BCL11B is on the minus strand). VCF-style: chr14-99174364-G-T. GRCh37 (hg19) VCF-style: chr14-99640701-G-T.
Other names: c.2469C>A, p.Tyr823Ter (NM_001282237.2); c.2256C>A, p.Tyr752Ter (NM_001282238.2); c.2259C>A, p.Tyr753Ter (NM_022898.3); short protein forms Y752*, Y753*, Y823*, Y824*.
Identifiers: ClinVar variation 987119 (VCV000987119.3), dbSNP rs1886394733, ClinGen allele CA390933147.

ClinVar aggregate classification (germline): Likely pathogenic. Review status: criteria provided, multiple submitters, no conflicts (2 of 4 stars). 2 submissions from 2 submitters: Likely pathogenic (2). Last evaluated 2025-10-05.

Conditions:
Intellectual developmental disorder with speech delay, dysmorphic facies, and t-cell abnormalities. Also called: BCL11B-related BAFopathy. Identifiers: Orphanet 662829, MedGen C4748152, MONDO:0060763, OMIM 618092.

Submissions (2):

Clinical Biomedical Laboratory, Shriners Hospital For Children - Canada
Classification: Likely pathogenic for Intellectual developmental disorder with speech delay, dysmorphic facies, and t-cell abnormalities. Last evaluated: 2025-10-05. Review status: criteria provided, single submitter. Criteria: ACMG Guidelines, 2015. Collection method: clinical testing. Allele origin: germline. Affected: yes.
Comment: This variant is predicted to introduce a premature stop codon in exon 4 of BCL11B. Several reported variants in BCL11B represent premature termination codons affecting exon 4 (PMID 29985992). This variant is absent from the Genome Aggregation Database (v2.1.1).

Institute of Medical Genetics and Applied Genomics, University Hospital Tübingen
Classification: Likely pathogenic. Last evaluated: 2021-02-01. Review status: criteria provided, single submitter. Criteria: ACMG Guidelines, 2015. Collection method: clinical testing. Allele origin: germline. Inheritance: Unknown mechanism. Affected: yes.

Literature cited by the submitters: PubMed 29985992 (cited by Clinical Biomedical Laboratory, Shriners Hospital For Children - Canada).